The following is an entry in ClinVar:

NM_016729.3(FOLR1):c.403T>G (p.Cys135Gly)

Genes: FOLR1 (folate receptor alpha; plus strand), FOLR1-AS1 (FOLR1 antisense RNA 1; minus strand). Cytogenetic location: 11q13.4.
Variant type: single nucleotide variant.
Coding change: c.403T>G on transcript NM_016729.3 (MANE Select); coding-DNA position 403, T replaced by G.
Protein change: p.Cys135Gly; replaces cysteine 135 with glycine.
Molecular consequence: missense variant.
Genome position (GRCh38, 1-based): chr11:72,195,657, T>G. VCF-style: chr11-72195657-T-G. GRCh37 (hg19) VCF-style: chr11-71906701-T-G.
Other names: c.403T>G, p.Cys135Gly (NM_000802.3, NM_016724.3, NM_016725.3 and 1 more transcripts); short protein forms C135G.
Identifiers: ClinVar variation 2015192 (VCV002015192.2), dbSNP rs774868210, ClinGen allele CA381733227.

ClinVar aggregate classification (germline): Uncertain significance. Review status: criteria provided, multiple submitters, no conflicts (2 of 4 stars). 2 submissions from 2 submitters: Uncertain significance (2). Last evaluated 2026-03-05.

Conditions:
Cerebral folate transport deficiency. Also called: FOLATE RECEPTOR DEFICIENCY; NEURODEGENERATION DUE TO CEREBRAL FOLATE TRANSPORT DEFICIENCY; Neurodegenerative syndrome due to cerebral folate transport deficiency; Cerebral folate deficiency syndrome; FOLR1-Related Cerebral Folate Transport Deficiency. Identifiers: Orphanet 217382, MedGen C2751584, MONDO:0013110, OMIM 613068. Disease mechanism: loss of function.

Submissions (2):

Mendelics
Classification: Uncertain significance for Cerebral folate transport deficiency. Last evaluated: 2026-03-05. Review status: criteria provided, single submitter. Criteria: ACMG Guidelines, 2015. Collection method: clinical testing. Allele origin: unknown.
Comment: The available evidence is insufficient to conclusively determine the role of this variant. Therefore, it is classified as a Variant of Uncertain Significance.

Labcorp Genetics (formerly Invitae), Labcorp
Classification: Uncertain significance for Cerebral folate transport deficiency. Last evaluated: 2022-07-15. Review status: criteria provided, single submitter. Criteria: Invitae Variant Classification Sherloc (09022015). Collection method: clinical testing. Allele origin: germline.
Comment: This sequence change replaces cysteine, which is neutral and slightly polar, with glycine, which is neutral and non-polar, at codon 135 of the FOLR1 protein (p.Cys135Gly). This variant is not present in population databases (gnomAD no frequency). This variant has not been reported in the literature in individuals affected with FOLR1-related conditions. Algorithms developed to predict the effect of missense changes on protein structure and function are either unavailable or do not agree on the potential impact of this missense change (SIFT: "Tolerated"; PolyPhen-2: "Probably Damaging"; Align-GVGD: "Class C0"). In summary, the available evidence is currently insufficient to determine the role of this variant in disease. Therefore, it has been classified as a Variant of Uncertain Significance.